The following is an entry in ClinVar:

NM_032043.3(BRIP1):c.2186G>A (p.Gly729Glu)

Gene: BRIP1 (BRCA1 interacting DNA helicase 1; minus strand). Cytogenetic location: 17q23.2.
Variant type: single nucleotide variant.
Coding change: c.2186G>A on transcript NM_032043.3 (MANE Select); coding-DNA position 2186, G replaced by A.
Protein change: p.Gly729Glu; replaces glycine 729 with glutamic acid.
Molecular consequence: missense variant.
Genome position (GRCh38, 1-based): chr17:61,744,503, C>T on the plus strand (G>A on the coding strand, the complement: BRIP1 is on the minus strand). VCF-style: chr17-61744503-C-T. GRCh37 (hg19) VCF-style: chr17-59821864-C-T.
Other names: short protein forms G729E.
Identifiers: ClinVar variation 852684 (VCV000852684.13), dbSNP rs1404094308, ClinGen allele CA400483058.

ClinVar aggregate classification (germline): Uncertain significance. Review status: criteria provided, multiple submitters, no conflicts (2 of 4 stars). 2 submissions from 2 submitters: Uncertain significance (2). Last evaluated 2022-09-06.

Conditions:
Hereditary cancer-predisposing syndrome. Also called: Neoplastic Syndromes, Hereditary; Hereditary Cancer Syndrome; Hereditary neoplastic syndrome; Tumor predisposition. Identifiers: Orphanet 140162, MedGen C0027672, MeSH D009386, MONDO:0015356.
Familial cancer of breast. Also called: hereditary breast carcinoma; BREAST CANCER, FAMILIAL; Hereditary breast cancer. Identifiers: Orphanet 227535, MedGen C0346153, MONDO:0016419, OMIM 114480. Disease mechanism: loss of function.
Fanconi anemia complementation group J. Also called: BRIP1-Related Fanconi Anemia. Identifiers: Orphanet 84, MedGen C1836860, MONDO:0012187, OMIM 609054.

Allele frequency attached by ClinVar (database versions not stated): TOPMed 0.00001.

Submissions (2):

Labcorp Genetics (formerly Invitae), Labcorp
Classification: Uncertain significance for Familial cancer of breast; Fanconi anemia complementation group J. Last evaluated: 2022-09-06. Review status: criteria provided, single submitter. Criteria: Invitae Variant Classification Sherloc (09022015). Collection method: clinical testing. Allele origin: germline.
Comment: In summary, the available evidence is currently insufficient to determine the role of this variant in disease. Therefore, it has been classified as a Variant of Uncertain Significance. Algorithms developed to predict the effect of missense changes on protein structure and function are either unavailable or do not agree on the potential impact of this missense change (SIFT: "Tolerated"; PolyPhen-2: "Probably Damaging"; Align-GVGD: "Class C0"). ClinVar contains an entry for this variant (Variation ID: 852684). This variant has not been reported in the literature in individuals affected with BRIP1-related conditions. This variant is not present in population databases (gnomAD no frequency). This sequence change replaces glycine, which is neutral and non-polar, with glutamic acid, which is acidic and polar, at codon 729 of the BRIP1 protein (p.Gly729Glu).

Ambry Genetics
Classification: Uncertain significance for Hereditary cancer-predisposing syndrome. Last evaluated: 2020-11-13. Review status: criteria provided, single submitter. Criteria: Ambry Variant Classification Scheme 2023. Collection method: clinical testing. Allele origin: germline.
Comment: The p.G729E variant (also known as c.2186G>A), located in coding exon 14 of the BRIP1 gene, results from a G to A substitution at nucleotide position 2186. The glycine at codon 729 is replaced by glutamic acid, an amino acid with similar properties. This amino acid position is not well conserved in available vertebrate species. In addition, this alteration is predicted to be tolerated by in silico analysis. Since supporting evidence is limited at this time, the clinical significance of this alteration remains unclear.